The following is an entry in ClinVar:

ClinVar aggregate classification (germline): Uncertain significance (1 of 4 stars; one submission).

Conditions:
Cardiovascular phenotype. Identifiers: MedGen CN230736.

gnomAD v4.1: 14 of 1,598,562 alleles (0.00088%); highest among the groups gnomAD compares: East Asian, 0.016%; no homozygotes.

Submission:

Ambry Genetics
Classification: Uncertain significance for Cardiovascular phenotype. Last evaluated: 2024-09-14. Review status: criteria provided, single submitter. Criteria: Ambry Variant Classification Scheme 2023. Collection method: clinical testing. Allele origin: germline.
Comment: The p.R1169C variant (also known as c.3505C>T), located in coding exon 24 of the MYH6 gene, results from a C to T substitution at nucleotide position 3505. The arginine at codon 1169 is replaced by cysteine, an amino acid with highly dissimilar properties. This amino acid position is conserved. In addition, this alteration is predicted to be deleterious by in silico analysis. Based on the available evidence, the clinical significance of this variant remains unclear.

NM_002471.4(MYH6):c.3505C>T (p.Arg1169Cys)

Gene: MYH6 (myosin heavy chain 6; minus strand). Cytogenetic location: 14q11.2.
Variant type: single nucleotide variant.
Coding change: c.3505C>T on transcript NM_002471.4 (MANE Select); coding-DNA position 3505, C replaced by T.
Protein change: p.Arg1169Cys; replaces arginine 1169 with cysteine.
Molecular consequence: missense variant.
Genome position (GRCh38, 1-based): chr14:23,390,284, G>A on the plus strand (C>T on the coding strand, the complement: MYH6 is on the minus strand). VCF-style: chr14-23390284-G-A. GRCh37 (hg19) VCF-style: chr14-23859493-G-A.
Other names: short protein forms R1169C.
Identifiers: ClinVar variation 3400848 (VCV003400848.1).
Genomic context (GRCh38, chr14:23,390,284, plus strand): 5'-CCTCGTGCTGCAGCGTGGCCTCCTCCAGGTCCCGCCGCATCTTCTGGAACTCGGCCTCGC[G>A]CTTCTTGTTCATCTCGATCTGCACGGACGTGGCCCCGCCGGCCTCTTCCAGCCGCTCGCT-3'
Protein context (NP_002462.2, residues 1159-1179): TSVQIEMNKK[Arg1169Cys]EAEFQKMRRD